The following is an entry in ClinVar:

NM_001197104.2(KMT2A):c.278C>G (p.Ser93Cys)

Gene: KMT2A (lysine methyltransferase 2A; plus strand). Cytogenetic location: 11q23.3.
Variant type: single nucleotide variant.
Coding change: c.278C>G on transcript NM_001197104.2 (MANE Select); coding-DNA position 278, C replaced by G.
Protein change: p.Ser93Cys; replaces serine 93 with cysteine.
Molecular consequence: missense variant.
Genome position (GRCh38, 1-based): chr11:118,436,790, C>G. VCF-style: chr11-118436790-C-G. GRCh37 (hg19) VCF-style: chr11-118307505-C-G.
Other names: c.278C>G, p.Ser93Cys (NM_001412597.1, NM_005933.4); short protein forms S93C.
Identifiers: ClinVar variation 2011457 (VCV002011457.4), dbSNP rs2497101984, ClinGen allele CA382798003.

ClinVar aggregate classification (germline): Uncertain significance (1 of 4 stars; one submission).

Allele frequency attached by ClinVar (database versions not stated): gnomAD exomes below 0.00001.
gnomAD v4.1: 1 of 1,606,628 alleles (0.000062%); highest among the groups gnomAD compares: Non-Finnish European, 0.000085%; no homozygotes.

Submission:

Labcorp Genetics (formerly Invitae), Labcorp
Classification: Uncertain significance. Last evaluated: 2022-09-27. Review status: criteria provided, single submitter. Criteria: Invitae Variant Classification Sherloc (09022015). Collection method: clinical testing. Allele origin: germline.
Comment: This sequence change replaces serine, which is neutral and polar, with cysteine, which is neutral and slightly polar, at codon 93 of the KMT2A protein (p.Ser93Cys). This variant is not present in population databases (gnomAD no frequency). This variant has not been reported in the literature in individuals affected with KMT2A-related conditions. Advanced modeling of protein sequence and biophysical properties (such as structural, functional, and spatial information, amino acid conservation, physicochemical variation, residue mobility, and thermodynamic stability) has been performed at Invitae for this missense variant, however the output from this modeling did not meet the statistical confidence thresholds required to predict the impact of this variant on KMT2A protein function. In summary, the available evidence is currently insufficient to determine the role of this variant in disease. Therefore, it has been classified as a Variant of Uncertain Significance.